The following is an entry in ClinVar:

NM_005609.4(PYGM):c.699del (p.Tyr234fs)

Gene: PYGM (glycogen phosphorylase, muscle associated; minus strand). Cytogenetic location: 11q13.1.
Variant type: Deletion.
Coding change: c.699del on transcript NM_005609.4 (MANE Select); coding-DNA position 699, one base deleted (C; older notation c.699delC).
Protein change: p.Tyr234fs; shifts the reading frame from tyrosine 234.
Molecular consequence: frameshift variant.
Genome position (GRCh38, 1-based): chr11:64,755,520, G deleted on the plus strand (C on the coding strand, the reverse complement: PYGM is on the minus strand). VCF-style (leftmost placement, unchanged base first): chr11-64755519-AG-A. GRCh37 (hg19) VCF-style: chr11-64522991-AG-A.
Other names: c.435del, p.Tyr146fs (NM_001164716.1); short protein forms Y234fs, Y146fs.
Identifiers: ClinVar variation 2020377 (VCV002020377.4), dbSNP rs2496664032, ClinGen allele CA2580084704.

ClinVar aggregate classification (germline): Pathogenic (1 of 4 stars; one submission).

Conditions:
Glycogen storage disease, type V (GSD5). Also called: MCARDLE DISEASE; MUSCLE GLYCOGEN PHOSPHORYLASE DEFICIENCY; MYOPHOSPHORYLASE DEFICIENCY; PYGM DEFICIENCY; McArdle type glycogen storage disease. Identifiers: Orphanet 368, MedGen C0017924, MONDO:0009293, OMIM 232600.

Submission:

Labcorp Genetics (formerly Invitae), Labcorp
Classification: Pathogenic for Glycogen storage disease, type V. Last evaluated: 2022-07-25. Review status: criteria provided, single submitter. Criteria: Invitae Variant Classification Sherloc (09022015). Collection method: clinical testing. Allele origin: germline.
Comment: For these reasons, this variant has been classified as Pathogenic. This variant has not been reported in the literature in individuals affected with PYGM-related conditions. This variant is not present in population databases (gnomAD no frequency). This sequence change creates a premature translational stop signal (p.Tyr234Ilefs*61) in the PYGM gene. It is expected to result in an absent or disrupted protein product. Loss-of-function variants in PYGM are known to be pathogenic (PMID: 8316268, 16786513).

Literature cited by the submitters: PubMed 8316268; PubMed 16786513.